The following is an entry in ClinVar:

ClinVar aggregate classification (germline): Benign/Likely benign. Review status: criteria provided, multiple submitters, no conflicts (2 of 4 stars). 5 submissions from 5 submitters: Benign (2); Likely benign (3). Last evaluated 2025-02-03.

Conditions:
Hereditary cancer-predisposing syndrome. Also called: Hereditary neoplastic syndrome; Neoplastic Syndromes, Hereditary; Tumor predisposition; Hereditary Cancer Syndrome. Identifiers: Orphanet 140162, MedGen C0027672, MeSH D009386, MONDO:0015356.
Hereditary diffuse gastric adenocarcinoma (HDGC). Also called: DIFFUSE GASTRIC AND LOBULAR BREAST CANCER SYNDROME. Identifiers: Orphanet 26106, MedGen C1708349, MONDO:0007648, OMIM 137215.

Submissions (5):

Labcorp Genetics (formerly Invitae), Labcorp
Classification: Likely benign for Hereditary diffuse gastric adenocarcinoma. Last evaluated: 2025-02-03. Review status: criteria provided, single submitter. Criteria: Invitae Variant Classification Sherloc (09022015). Collection method: clinical testing. Allele origin: germline.

Myriad Genetics, Inc.
Classification: Benign for Hereditary diffuse gastric adenocarcinoma. Last evaluated: 2024-09-20. Review status: criteria provided, single submitter. Criteria: Myriad Autosomal Dominant, Autosomal Recessive and X-Linked Classification Criteria (2023). Collection method: clinical testing. Allele origin: unknown.
Comment: This variant is considered benign. This variant is a silent/synonymous amino acid change and it is not expected to impact splicing.

Color Diagnostics, LLC DBA Color Health
Classification: Likely benign for Hereditary cancer-predisposing syndrome. Last evaluated: 2022-08-29. Review status: criteria provided, single submitter. Criteria: ACMG Guidelines, 2015. Collection method: clinical testing. Allele origin: germline.

Ambry Genetics
Classification: Likely benign for Hereditary cancer-predisposing syndrome. Last evaluated: 2016-03-02. Review status: criteria provided, single submitter. Criteria: Ambry Variant Classification Scheme 2023. Collection method: clinical testing. Allele origin: germline.

GeneDx
Classification: Benign. Last evaluated: 2015-03-03. Review status: criteria provided, single submitter. Criteria: GeneDx Variant Classification Process June 2021. Collection method: clinical testing. Allele origin: germline. Affected: yes.

NM_004360.5(CDH1):c.2199G>A (p.Arg733=)

Gene: CDH1 (cadherin 1; plus strand). Cytogenetic location: 16q22.1.
Variant type: single nucleotide variant.
Coding change: c.2199G>A on transcript NM_004360.5 (MANE Select); coding-DNA position 2199, G replaced by A.
Protein change: p.Arg733=; no amino-acid change (arginine 733 retained).
Molecular consequence: synonymous variant.
Genome position (GRCh38, 1-based): chr16:68,828,208, G>A. VCF-style: chr16-68828208-G-A. GRCh37 (hg19) VCF-style: chr16-68862111-G-A.
Other names: c.2199G>A (LRG_301t1); c.2016G>A, p.Arg672= (NM_001317184.2); c.651G>A, p.Arg217= (NM_001317185.2); c.234G>A, p.Arg78= (NM_001317186.2).
Identifiers: ClinVar variation 481683 (VCV000481683.18), dbSNP rs1555517637, ClinGen allele CA496157141.